The following is an entry in ClinVar:

NM_000051.4(ATM):c.7190A>C (p.Gln2397Pro)

Genes: ATM (ATM serine/threonine kinase; plus strand), C11orf65 (chromosome 11 open reading frame 65; minus strand). Cytogenetic location: 11q22.3.
Variant type: single nucleotide variant.
Coding change: c.7190A>C on transcript NM_000051.4 (MANE Select); coding-DNA position 7190, A replaced by C.
Protein change: p.Gln2397Pro; replaces glutamine 2397 with proline.
Molecular consequence: missense variant. On other transcripts: intron variant (2).
Genome position (GRCh38, 1-based): chr11:108,329,121, A>C. VCF-style: chr11-108329121-A-C. GRCh37 (hg19) VCF-style: chr11-108199848-A-C.
Other names: c.7190A>C, p.Gln2397Pro (NM_001351834.2); c.641-20050T>G (NM_001330368.2); c.*38+6099T>G (NM_001351110.2); short protein forms Q2397P.
Identifiers: ClinVar variation 838083 (VCV000838083.9), dbSNP rs1060501592, ClinGen allele CA382559590.

ClinVar aggregate classification (germline): Uncertain significance. Review status: criteria provided, multiple submitters, no conflicts (2 of 4 stars). 2 submissions from 2 submitters: Uncertain significance (2). Last evaluated 2026-03-08.

Conditions:
Hereditary cancer-predisposing syndrome. Also called: Tumor predisposition; Neoplastic Syndromes, Hereditary; Hereditary Cancer Syndrome; Hereditary neoplastic syndrome. Identifiers: Orphanet 140162, MedGen C0027672, MeSH D009386, MONDO:0015356.
Ataxia-telangiectasia syndrome (AT). Also called: ATAXIA-TELANGIECTASIA, COMPLEMENTATION GROUP A; ATAXIA-TELANGIECTASIA, FRESNO VARIANT; Ataxia-telangiectasia; Ataxia-telangiectasia, complementation group D; AT, COMPLEMENTATION GROUP C; Ataxia-telangiectasia, complementation group E. Identifiers: Orphanet 100, MedGen C0004135, MONDO:0008840, OMIM 208900.

Submissions (2):

Ambry Genetics
Classification: Uncertain significance for Hereditary cancer-predisposing syndrome. Last evaluated: 2026-03-08. Review status: criteria provided, single submitter. Criteria: Ambry Variant Classification Scheme 2023. Collection method: clinical testing. Allele origin: germline.
Comment: The p.Q2397P variant (also known as c.7190A>C), located in coding exon 48 of the ATM gene, results from an A to C substitution at nucleotide position 7190. The glutamine at codon 2397 is replaced by proline, an amino acid with similar properties. This amino acid position is conserved. In addition, this alteration is predicted to be deleterious by in silico analysis. Based on the available evidence, the clinical significance of this variant remains unclear.

Labcorp Genetics (formerly Invitae), Labcorp
Classification: Uncertain significance for Ataxia-telangiectasia syndrome. Last evaluated: 2021-12-14. Review status: criteria provided, single submitter. Criteria: Invitae Variant Classification Sherloc (09022015). Collection method: clinical testing. Allele origin: germline.
Comment: In summary, the available evidence is currently insufficient to determine the role of this variant in disease. Therefore, it has been classified as a Variant of Uncertain Significance. Algorithms developed to predict the effect of missense changes on protein structure and function (SIFT, PolyPhen-2, Align-GVGD) all suggest that this variant is likely to be disruptive. ClinVar contains an entry for this variant (Variation ID: 838083). This variant has not been reported in the literature in individuals affected with ATM-related conditions. This variant is not present in population databases (gnomAD no frequency). This sequence change replaces glutamine, which is neutral and polar, with proline, which is neutral and non-polar, at codon 2397 of the ATM protein (p.Gln2397Pro).